The following is an entry in ClinVar:

ClinVar aggregate classification (germline): Uncertain significance (1 of 4 stars; one submission).

Conditions:
Cardiomyopathy (CMYO). Also called: Cardiomyopathies. Identifiers: Orphanet 167848, MedGen C0878544, MONDO:0004994, HP:0001638. Inheritance: Various modes of inheritance.

Submission:

Color Diagnostics, LLC DBA Color Health
Classification: Uncertain significance for Cardiomyopathy. Last evaluated: 2024-03-07. Review status: criteria provided, single submitter. Criteria: ACMG Guidelines, 2015. Collection method: clinical testing. Allele origin: germline.
Comment: This missense variant replaces histidine with glutamine at codon 14 of the TMEM43 protein. Computational prediction suggests that this variant may not impact protein structure and function (internally defined REVEL score threshold <= 0.5, PMID: 27666373). To our knowledge, functional studies have not been reported for this variant. This variant has not been reported in individuals affected with cardiovascular disorders in the literature. This variant has not been identified in the general population by the Genome Aggregation Database (gnomAD). The available evidence is insufficient to determine the role of this variant in disease conclusively. Therefore, this variant is classified as a Variant of Uncertain Significance.

NM_024334.3(TMEM43):c.42T>A (p.His14Gln)

Gene: TMEM43 (transmembrane protein 43; plus strand). Cytogenetic location: 3p25.1.
Variant type: single nucleotide variant.
Coding change: c.42T>A on transcript NM_024334.3 (MANE Select); coding-DNA position 42, T replaced by A.
Protein change: p.His14Gln; replaces histidine 14 with glutamine.
Molecular consequence: missense variant. On other transcripts: intron variant (1).
Genome position (GRCh38, 1-based): chr3:14,129,441, T>A. VCF-style: chr3-14129441-T-A. GRCh37 (hg19) VCF-style: chr3-14170941-T-A.
Other names: c.42T>A, p.His14Gln (NM_001407274.1, NM_001407275.1, NM_001407276.1 and 3 more transcripts); c.13-1381T>A (NM_001407280.1); short protein forms H14Q.
Identifiers: ClinVar variation 2774587 (VCV002774587.2), dbSNP rs773252383, ClinGen allele CA351534215.
Genomic context (GRCh38, chr3:14,129,441, plus strand): 5'-TTTCATTCTGTTACTGTTTCTTTTTCTTCAGTATTCCAGTACCAGTACCCGGAGAGAACA[T>A]GTCAAAGTTAAAACCAGCTCCCAGCCAGGCTTCCTGGAACGGCTGAGCGAGACCTCGGGT-3'
Protein context (NP_077310.1, residues 4-24): NYSSTSTRRE[His14Gln]VKVKTSSQPG